The following is an entry in ClinVar:

NM_004655.4(AXIN2):c.957-19_957-18del

Gene: AXIN2 (axin 2; minus strand). Cytogenetic location: 17q24.1.
Variant type: Deletion.
Coding change: c.957-19_957-18del on transcript NM_004655.4 (MANE Select); 19 bases into the intron before coding-DNA position 957 through 18 bases into the intron before coding-DNA position 957, 2 bases deleted (GT; older notation c.957-19_957-18delGT).
Molecular consequence: intron variant.
Genome position (GRCh38, 1-based): chr17:65,541,575-65,541,576, AC deleted on the plus strand (GT on the coding strand, the reverse complement: AXIN2 is on the minus strand); deleting any 2 consecutive bases within chr17:65,541,575-65,541,577 gives the same sequence; the c. name uses the placement nearest the transcript's 3' end. VCF-style (leftmost placement, unchanged base first): chr17-65541574-GAC-G. GRCh37 (hg19) VCF-style: chr17-63537692-GAC-G.
Other names: c.957-19_957-18del (NM_001363813.1).
Identifiers: ClinVar variation 1633960 (VCV001633960.9), dbSNP rs1377908088, ClinGen allele CA626908898.

ClinVar aggregate classification (germline): Likely benign. Review status: criteria provided, multiple submitters, no conflicts (2 of 4 stars). 2 submissions from 2 submitters: Likely benign (2). Last evaluated 2025-02-16.

Conditions:
Oligodontia-cancer predisposition syndrome. Also called: TOOTH AGENESIS-COLORECTAL CANCER SYNDROME. Identifiers: Orphanet 300576, MedGen C1837750, MONDO:0012075, OMIM 608615. Disease mechanism: loss of function.

Submissions (2):

Labcorp Genetics (formerly Invitae), Labcorp
Classification: Likely benign for Oligodontia-cancer predisposition syndrome. Last evaluated: 2025-02-16. Review status: criteria provided, single submitter. Criteria: Invitae Variant Classification Sherloc (09022015). Collection method: clinical testing. Allele origin: germline.

Myriad Genetics, Inc.
Classification: Likely benign for Oligodontia-cancer predisposition syndrome. Last evaluated: 2024-06-28. Review status: criteria provided, single submitter. Criteria: Myriad Autosomal Dominant, Autosomal Recessive and X-Linked Classification Criteria (2023). Collection method: clinical testing. Allele origin: unknown.
Comment: This variant is considered likely benign. This variant is intronic and is not expected to impact mRNA splicing.